The following is an entry in ClinVar:

ClinVar aggregate classification (germline): Likely benign (1 of 4 stars; one submission).

Submission:

CeGaT Center for Human Genetics Tuebingen
Classification: Likely benign. Last evaluated: 2026-07-01. Review status: criteria provided, single submitter. Criteria: CeGaT Center For Human Genetics Tuebingen Variant Classification Criteria Version 2. Collection method: clinical testing. Allele origin: germline. Affected: yes. Observed: 1 variant allele.
Comment: CKAP2L: PM2:Supporting, BP4, BP7

NM_152515.5(CKAP2L):c.468T>C (p.Asp156=)

Gene: CKAP2L (cytoskeleton associated protein 2L; minus strand). Cytogenetic location: 2q14.1.
Variant type: single nucleotide variant.
Coding change: c.468T>C on transcript NM_152515.5 (MANE Select); coding-DNA position 468, T replaced by C.
Protein change: p.Asp156=; no amino-acid change (aspartic acid 156 retained).
Molecular consequence: synonymous variant. On other transcripts: 5 prime UTR variant (1), non-coding transcript variant (1).
Genome position (GRCh38, 1-based): chr2:112,756,903, A>G on the plus strand (T>C on the coding strand, the complement: CKAP2L is on the minus strand). VCF-style: chr2-112756903-A-G. GRCh37 (hg19) VCF-style: chr2-113514480-A-G.
Other names: c.-28T>C (NM_001304361.2).
Identifiers: ClinVar variation 4875337 (VCV004875337.2).
Genomic context (GRCh38, chr2:112,756,903, plus strand): 5'-CAAAGATTCGTTTTCAACATGGATATTATTCATAAAGTCTATACATTTACCATTTCCTTG[A>G]TCTGTTAACTGCTGCTTTGTAGTTTTCAATTGCTCTATATTAAGTGACCCCACAGGTTTT-3'
Protein context (NP_689728.3, residues 146-166): QLKTTKQQLT[Asp156=]QGNGKCIDFM